The following is an entry in ClinVar:

NM_003036.4(SKI):c.2174A>G (p.Glu725Gly)

Gene: SKI (SKI proto-oncogene; plus strand). Cytogenetic location: 1p36.32.
Variant type: single nucleotide variant.
Coding change: c.2174A>G on transcript NM_003036.4 (MANE Select); coding-DNA position 2174, A replaced by G.
Protein change: p.Glu725Gly; replaces glutamic acid 725 with glycine.
Molecular consequence: missense variant.
Genome position (GRCh38, 1-based): chr1:2,306,752, A>G. VCF-style: chr1-2306752-A-G. GRCh37 (hg19) VCF-style: chr1-2238191-A-G.
Other names: short protein forms E725G.
Identifiers: ClinVar variation 2142234 (VCV002142234.4), dbSNP rs747798210, ClinGen allele CA337959901.

ClinVar aggregate classification (germline): Uncertain significance (1 of 4 stars; one submission).

Conditions:
Shprintzen-Goldberg syndrome (SGS). Also called: Marfanoid disorder with craniosynostosis type 1; Marfanoid craniosynostosis syndrome; Shprintzen-Goldberg marfanoid syndrome; SHPRINTZEN-GOLDBERG CRANIOSYNOSTOSIS SYNDROME; CRANIOSYNOSTOSIS WITH ARACHNODACTYLY AND ABDOMINAL HERNIAS. Identifiers: Orphanet 2462, MedGen C1321551, MONDO:0008426, OMIM 182212.

gnomAD v4.1: 5 of 1,522,194 alleles (0.00033%); highest among the groups gnomAD compares: Non-Finnish European, 0.00044%; no homozygotes.

Submission:

Labcorp Genetics (formerly Invitae), Labcorp
Classification: Uncertain significance for Shprintzen-Goldberg syndrome. Last evaluated: 2025-11-18. Review status: criteria provided, single submitter. Criteria: Invitae Variant Classification Sherloc (09022015). Collection method: clinical testing. Allele origin: germline.
Comment: This sequence change replaces glutamic acid, which is acidic and polar, with glycine, which is neutral and non-polar, at codon 725 of the SKI protein (p.Glu725Gly). This variant is present in population databases (no rsID available, gnomAD 0.002%). This variant has not been reported in the literature in individuals affected with SKI-related conditions. ClinVar contains an entry for this variant (Variation ID: 2142234). Invitae Evidence Modeling of protein sequence and biophysical properties (such as structural, functional, and spatial information, amino acid conservation, physicochemical variation, residue mobility, and thermodynamic stability) indicates that this missense variant is not expected to disrupt SKI protein function with a negative predictive value of 95%. In summary, the available evidence is currently insufficient to determine the role of this variant in disease. Therefore, it has been classified as a Variant of Uncertain Significance.